The following is an entry in ClinVar:

NM_001308093.3(GATA4):c.1311C>A (p.His437Gln)

Gene: GATA4 (GATA binding protein 4). Cytogenetic location: 8p23.1.
Variant type: single nucleotide variant.
Coding change: c.1311C>A on transcript NM_001308093.3 (MANE Select); coding-DNA position 1311, C replaced by A.
Protein change: p.His437Gln; replaces histidine 437 with glutamine.
Molecular consequence: missense variant.
Genome position (GRCh38, 1-based): chr8:11,758,454, C>A. VCF-style: chr8-11758454-C-A. GRCh37 (hg19) VCF-style: chr8-11615963-C-A.
Other names: c.690C>A, p.His230Gln (NM_001308094.2, NM_001374273.1); c.564C>A, p.His188Gln (NM_001374274.1); c.1308C>A, p.His436Gln (NM_002052.5); short protein forms H188Q, H436Q, H230Q, H437Q.
Identifiers: ClinVar variation 2452503 (VCV002452503.2), dbSNP rs779684582, ClinGen allele CA370315857.

ClinVar aggregate classification (germline): Uncertain significance (1 of 4 stars; one submission).

Conditions:
Cardiovascular phenotype. Identifiers: MedGen CN230736.

gnomAD v4.1: 1 of 1,614,074 alleles (0.000062%); highest among the groups gnomAD compares: Non-Finnish European, 0.000085%; no homozygotes.

Submission:

Ambry Genetics
Classification: Uncertain significance for Cardiovascular phenotype. Last evaluated: 2023-01-23. Review status: criteria provided, single submitter. Criteria: Ambry Variant Classification Scheme 2023. Collection method: clinical testing. Allele origin: germline.
Comment: The p.H436Q variant (also known as c.1308C>A), located in coding exon 6 of the GATA4 gene, results from a C to A substitution at nucleotide position 1308. The histidine at codon 436 is replaced by glutamine, an amino acid with highly similar properties. This amino acid position is conserved. In addition, this alteration is predicted to be deleterious by in silico analysis. Since supporting evidence is limited at this time, the clinical significance of this alteration remains unclear.